The following is an entry in ClinVar:

NM_003647.3(DGKE):c.255C>T (p.Ala85=)

Gene: DGKE (diacylglycerol kinase epsilon; plus strand). Cytogenetic location: 17q22.
Variant type: single nucleotide variant.
Coding change: c.255C>T on transcript NM_003647.3 (MANE Select); coding-DNA position 255, C replaced by T.
Protein change: p.Ala85=; no amino-acid change (alanine 85 retained).
Molecular consequence: synonymous variant.
Genome position (GRCh38, 1-based): chr17:56,835,050, C>T. VCF-style: chr17-56835050-C-T. GRCh37 (hg19) VCF-style: chr17-54912411-C-T.
Other names: p.Ala85=.
Identifiers: ClinVar variation 714226 (VCV000714226.11), dbSNP rs146765015, ClinGen allele CA8663463.
Genomic context (GRCh38, chr17:56,835,050, plus strand): 5'-GGACCTGTTCAGCCAGCCCACCTACTGCTGCGTGTGCGCGCAGCACATTCTGCAGGGCGC[C>T]TTCTGCGACTGCTGCGGGCTCCGCGTGGACGAGGGCTGCCTCAGGAAGGCCGACAAGCGC-3'
Protein context (NP_003638.1, residues 75-95): CVCAQHILQG[Ala85=]FCDCCGLRVD

ClinVar aggregate classification (germline): Likely benign. Review status: criteria provided, multiple submitters, no conflicts (2 of 4 stars). 3 submissions from 3 submitters: Likely benign (3). Last evaluated 2026-01-27.

Allele frequency attached by ClinVar (database versions not stated): 1000 Genomes Project 0.00040; 1000 Genomes Project 30x 0.00047; gnomAD exomes 0.00079 and 0.00145; ExAC 0.00093; gnomAD 0.00093 and 0.00098; TOPMed 0.00094; ESP Exome Variant Server 0.00161.
gnomAD v4.1: 2,232 of 1,613,188 alleles (0.14%); highest among the groups gnomAD compares: Non-Finnish European, 0.18%; 1 homozygote.

Submissions (3):

Labcorp Genetics (formerly Invitae), Labcorp
Classification: Likely benign. Last evaluated: 2026-01-27. Review status: criteria provided, single submitter. Criteria: Invitae Variant Classification Sherloc (09022015). Collection method: clinical testing. Allele origin: germline.

Mayo Clinic Laboratories, Mayo Clinic
Classification: Likely benign. Last evaluated: 2024-12-17. Review status: criteria provided, single submitter. Criteria: ACMG Guidelines, 2015. Collection method: clinical testing. Allele origin: germline. Observed: 8 variant alleles.
Comment: BS1, BP4, BP7

Blueprint Genetics
Classification: Likely benign. Last evaluated: 2024-11-27. Review status: criteria provided, single submitter. Criteria: ACMG Guidelines, 2015. Collection method: clinical testing. Allele origin: germline.